The following is an entry in ClinVar:

ClinVar aggregate classification (germline): Uncertain significance. Review status: criteria provided, multiple submitters, no conflicts (2 of 4 stars). 2 submissions from 2 submitters: Uncertain significance (2). Last evaluated 2023-10-18.

Conditions:
Exostoses, multiple, type 2 (EXT2). Also called: EXOSTOSES, MULTIPLE, TYPE II; Hereditary Multiple Osteochondromatosis, Type II. Identifiers: Orphanet 321, MedGen C1851413, MONDO:0007586, OMIM 133701.

Allele frequency attached by ClinVar (database versions not stated): gnomAD exomes below 0.00001; gnomAD 0.00001.

Submissions (2):

Labcorp Genetics (formerly Invitae), Labcorp
Classification: Uncertain significance for Exostoses, multiple, type 2. Last evaluated: 2023-10-18. Review status: criteria provided, single submitter. Criteria: Invitae Variant Classification Sherloc (09022015). Collection method: clinical testing. Allele origin: germline.
Comment: This sequence change replaces cysteine, which is neutral and slightly polar, with serine, which is neutral and polar, at codon 339 of the EXT2 protein (p.Cys339Ser). This variant is present in population databases (rs751598619, gnomAD 0.0009%). This variant has not been reported in the literature in individuals affected with EXT2-related conditions. Advanced modeling of protein sequence and biophysical properties (such as structural, functional, and spatial information, amino acid conservation, physicochemical variation, residue mobility, and thermodynamic stability) performed at Invitae indicates that this missense variant is not expected to disrupt EXT2 protein function. This variant disrupts the p.Cys339 amino acid residue in EXT2. Other variant(s) that disrupt this residue have been determined to be pathogenic (PMID: 19839753, 26961984, 30334991, 30806661). This suggests that this residue is clinically significant, and that variants that disrupt this residue are likely to be disease-causing. In summary, the available evidence is currently insufficient to determine the role of this variant in disease. Therefore, it has been classified as a Variant of Uncertain Significance.

Baylor Genetics
Classification: Uncertain significance for Exostoses, multiple, type 2. Last evaluated: 2023-07-01. Review status: criteria provided, single submitter. Criteria: ACMG Guidelines, 2015. Collection method: clinical testing. Allele origin: unknown.

Literature cited by the submitters: PubMed 19839753 (cited by Labcorp Genetics (formerly Invitae), Labcorp); PubMed 26961984 (cited by Labcorp Genetics (formerly Invitae), Labcorp); PubMed 30334991 (cited by Labcorp Genetics (formerly Invitae), Labcorp); PubMed 30806661 (cited by Labcorp Genetics (formerly Invitae), Labcorp).

NM_207122.2(EXT2):c.1016G>C (p.Cys339Ser)

Gene: EXT2 (exostosin glycosyltransferase 2; plus strand). Cytogenetic location: 11p11.2.
Variant type: single nucleotide variant.
Coding change: c.1016G>C on transcript NM_207122.2 (MANE Select); coding-DNA position 1016, G replaced by C.
Protein change: p.Cys339Ser; replaces cysteine 339 with serine.
Molecular consequence: missense variant.
Genome position (GRCh38, 1-based): chr11:44,126,892, G>C. VCF-style: chr11-44126892-G-C. GRCh37 (hg19) VCF-style: chr11-44148442-G-C.
Other names: c.1115G>C, p.Cys372Ser (NM_000401.3); c.1016G>C, p.Cys339Ser (NM_001178083.3, NM_001389628.1, NM_001389630.1); short protein forms C339S, C372S.
Identifiers: ClinVar variation 2675216 (VCV002675216.4), dbSNP rs751598619, ClinGen allele CA221467997.